The following is an entry in ClinVar:

ClinVar aggregate classification (germline): Pathogenic/Likely pathogenic. Review status: criteria provided, multiple submitters, no conflicts (2 of 4 stars). 3 submissions from 3 submitters: Pathogenic (2); Likely pathogenic (1). Last evaluated 2026-09-01.

Conditions:
Deficiency of alpha-mannosidase (MANSA). Also called: Mannosidosis, alpha-, types I and II; LYSOSOMAL ALPHA-D-MANNOSIDASE DEFICIENCY; Alpha-Mannosidosis. Identifiers: Orphanet 61, MedGen C0024748, MONDO:0009561, OMIM 248500.

Submissions (3):

CeGaT Center for Human Genetics Tuebingen
Classification: Pathogenic. Last evaluated: 2026-09-01. Review status: criteria provided, single submitter. Criteria: CeGaT Center For Human Genetics Tuebingen Variant Classification Criteria Version 2. Collection method: clinical testing. Allele origin: germline. Affected: yes. Observed: 3 variant alleles.
Comment: MAN2B1: PVS1, PM2, PM3:Supporting

Natera, Inc.
Classification: Likely pathogenic for Alpha-mannosidosis. Last evaluated: 2024-12-16. Review status: criteria provided, single submitter. Criteria: Natera Variant Classification Schema (03/2026). Collection method: clinical testing. Allele origin: germline.
Comment: The c.438dupG variant in MAN2B1 is a frameshift variant predicted to shift the reading frame beginning at codon 147 and leads to a stop codon 14 codons downstream. This variant is expected to result in nonsense mediated decay, truncation, or a dysfunctional protein product. This variant is rare in the general population with a frequency below the threshold expected for the associated phenotype(s). Given the available evidence, this variant is classified as Likely Pathogenic.

Labcorp Genetics (formerly Invitae), Labcorp
Classification: Pathogenic for Deficiency of alpha-mannosidase. Last evaluated: 2024-07-04. Review status: criteria provided, single submitter. Criteria: Invitae Variant Classification Sherloc (09022015). Collection method: clinical testing. Allele origin: germline.
Comment: This sequence change creates a premature translational stop signal (p.Arg147Alafs*14) in the MAN2B1 gene. It is expected to result in an absent or disrupted protein product. Loss-of-function variants in MAN2B1 are known to be pathogenic (PMID: 9915946, 22161967). This variant is not present in population databases (gnomAD no frequency). This variant has not been reported in the literature in individuals affected with MAN2B1-related conditions. ClinVar contains an entry for this variant (Variation ID: 1075422). For these reasons, this variant has been classified as Pathogenic.

Literature cited by the submitters: PubMed 9915946 (cited by Labcorp Genetics (formerly Invitae), Labcorp); PubMed 22161967 (cited by Labcorp Genetics (formerly Invitae), Labcorp).

NM_000528.4(MAN2B1):c.437-1dup

Gene: MAN2B1 (mannosidase alpha class 2B member 1; minus strand). Cytogenetic location: 19p13.13.
Variant type: Duplication.
Coding change: c.437-1dup on transcript NM_000528.4 (MANE Select); the canonical splice acceptor site of the intron before coding-DNA position 437, one base duplicated (G; older notation c.437-1dupG).
Molecular consequence: splice acceptor variant.
Genome position (GRCh38, 1-based): chr19:12,664,984, C duplicated on the plus strand (G on the coding strand, the reverse complement: MAN2B1 is on the minus strand); the first of 3 consecutive C bases (chr19:12,664,984-12,664,986); duplicating any one gives the same sequence. VCF-style (leftmost placement, unchanged base first): chr19-12664983-G-GC. GRCh37 (hg19) VCF-style: chr19-12775797-G-GC.
Other names: c.438dup (NM_000528.4); c.437-1dup (NM_001173498.2); c.438dupG (NM_000528.3).
Identifiers: ClinVar variation 1075422 (VCV001075422.12), dbSNP rs1160557969, ClinGen allele CA404255578.
Genomic context (GRCh38, chr19:12,664,983, plus strand): 5'-CACCGTAGTGGGTGGCTGCCTCATCGTTCATCACCCAGCCACCATTGGCGAACTCCAGGC[G>GC]CCCTGTGCCAGGACAGGCAAGGTCAGGGTCAGCGGTCAGAGCCAGGAGTGGGAGTAGGGT-3'